The following is an entry in ClinVar:

NM_006565.4(CTCF):c.1074C>T (p.Tyr358=)

Gene: CTCF (CCCTC-binding factor; plus strand). Cytogenetic location: 16q22.1.
Variant type: single nucleotide variant.
Coding change: c.1074C>T on transcript NM_006565.4 (MANE Select); coding-DNA position 1074, C replaced by T.
Protein change: p.Tyr358=; no amino-acid change (tyrosine 358 retained).
Molecular consequence: synonymous variant.
Genome position (GRCh38, 1-based): chr16:67,616,866, C>T. VCF-style: chr16-67616866-C-T. GRCh37 (hg19) VCF-style: chr16-67650769-C-T.
Other names: c.90C>T, p.Tyr30= (NM_001191022.2); c.1074C>T, p.Tyr358= (NM_001363916.2, NM_001438968.1, NM_001438969.1).
Identifiers: ClinVar variation 4821907 (VCV004821907.4).

ClinVar aggregate classification (germline): Likely benign (1 of 4 stars; one submission).

gnomAD v4.1: 7 of 1,614,032 alleles (0.00043%); highest among the groups gnomAD compares: Admixed American, 0.0017%; no homozygotes.

Submission:

CeGaT Center for Human Genetics Tuebingen
Classification: Likely benign. Last evaluated: 2026-03-01. Review status: criteria provided, single submitter. Criteria: CeGaT Center For Human Genetics Tuebingen Variant Classification Criteria Version 2. Collection method: clinical testing. Allele origin: germline. Affected: yes. Observed: 1 variant allele.
Comment: CTCF: BP4, BP7